The following is an entry in ClinVar:

NM_000037.4(ANK1):c.931A>G (p.Met311Val)

Gene: ANK1 (ankyrin 1; minus strand). Cytogenetic location: 8p11.21.
Variant type: single nucleotide variant.
Coding change: c.931A>G on transcript NM_000037.4 (MANE Select); coding-DNA position 931, A replaced by G.
Protein change: p.Met311Val; replaces methionine 311 with valine.
Molecular consequence: missense variant.
Genome position (GRCh38, 1-based): chr8:41,719,837, T>C on the plus strand (A>G on the coding strand, the complement: ANK1 is on the minus strand). VCF-style: chr8-41719837-T-C. GRCh37 (hg19) VCF-style: chr8-41577355-T-C.
Other names: c.1030A>G, p.Met344Val (NM_001142446.2); c.931A>G, p.Met311Val (NM_020475.3, NM_020476.3, NM_020477.3); short protein forms M311V, M344V.
Identifiers: ClinVar variation 1330808 (VCV001330808.9), dbSNP rs2150644664, ClinGen allele CA371041414.
Genomic context (GRCh38, chr8:41,719,837, plus strand): 5'-TCTCTGCGTCGTATTGCAACAGGAGCCGGACACAGTCGAGGTGGTCTCCCTGAGCCGCCA[T>C]GTGAATTGGGGACAGGCCGTTCTGGGTAAAGAGGAAAACACAAGCAATCACAAAGTCTTC-3'
Protein context (NP_000028.3, residues 301-321): KTKNGLSPIH[Met311Val]AAQGDHLDCV

ClinVar aggregate classification (germline): Uncertain significance. Review status: criteria provided, multiple submitters, no conflicts (2 of 4 stars). 2 submissions from 2 submitters: Uncertain significance (2). Last evaluated 2024-04-02.

Conditions:
Hereditary spherocytosis type 1. Also called: Spherocytosis type 1; ANK1-Related Spherocytosis. Identifiers: Orphanet 822, MedGen C2674218, MONDO:0008447, OMIM 182900.

Submissions (2):

Labcorp Genetics (formerly Invitae), Labcorp
Classification: Uncertain significance. Last evaluated: 2024-04-02. Review status: criteria provided, single submitter. Criteria: Invitae Variant Classification Sherloc (09022015). Collection method: clinical testing. Allele origin: germline.
Comment: This sequence change replaces methionine, which is neutral and non-polar, with valine, which is neutral and non-polar, at codon 311 of the ANK1 protein (p.Met311Val). This variant is not present in population databases (gnomAD no frequency). This variant has not been reported in the literature in individuals affected with ANK1-related conditions. ClinVar contains an entry for this variant (Variation ID: 1330808). Advanced modeling of protein sequence and biophysical properties (such as structural, functional, and spatial information, amino acid conservation, physicochemical variation, residue mobility, and thermodynamic stability) has been performed at Invitae for this missense variant, however the output from this modeling did not meet the statistical confidence thresholds required to predict the impact of this variant on ANK1 protein function. In summary, the available evidence is currently insufficient to determine the role of this variant in disease. Therefore, it has been classified as a Variant of Uncertain Significance.

ARUP Laboratories, Molecular Genetics and Genomics, ARUP Laboratories
Classification: Uncertain significance for Hereditary spherocytosis type 1. Last evaluated: 2021-09-09. Review status: criteria provided, single submitter. Criteria: ARUP Molecular Germline Variant Investigation Process 2021. Collection method: clinical testing. Allele origin: germline.